The following is an entry in ClinVar:

ClinVar aggregate classification (germline): Uncertain significance. Review status: criteria provided, multiple submitters, no conflicts (2 of 4 stars). 4 submissions from 4 submitters: Uncertain significance (4). Last evaluated 2025-09-13.

Conditions:
Inborn genetic diseases. Identifiers: MedGen C0950123, MeSH D030342.
Werner syndrome (WRN). Identifiers: Orphanet 902, MedGen C0043119, MONDO:0010196, OMIM 277700.

Allele frequency attached by ClinVar (database versions not stated): TOPMed 0.00006; gnomAD exomes 0.00004; gnomAD 0.00006.
gnomAD v4.1: 62 of 1,612,894 alleles (0.0038%); highest among the groups gnomAD compares: Middle Eastern, 0.016%; no homozygotes.

Submissions (4):

Labcorp Genetics (formerly Invitae), Labcorp
Classification: Uncertain significance for Werner syndrome. Last evaluated: 2025-09-13. Review status: criteria provided, single submitter. Criteria: Invitae Variant Classification Sherloc (09022015). Collection method: clinical testing. Allele origin: germline.
Comment: This sequence change replaces alanine, which is neutral and non-polar, with threonine, which is neutral and polar, at codon 841 of the WRN protein (p.Ala841Thr). This variant is present in population databases (rs748169173, gnomAD 0.02%). This variant has not been reported in the literature in individuals affected with WRN-related conditions. ClinVar contains an entry for this variant (Variation ID: 195567). An algorithm developed to predict the effect of missense changes on protein structure and function (PolyPhen-2) suggests that this variant is likely to be disruptive. In summary, the available evidence is currently insufficient to determine the role of this variant in disease. Therefore, it has been classified as a Variant of Uncertain Significance.

Ambry Genetics
Classification: Uncertain significance for Inborn genetic diseases. Last evaluated: 2021-10-22. Review status: criteria provided, single submitter. Criteria: Ambry Variant Classification Scheme 2023. Collection method: clinical testing. Allele origin: germline.

Eurofins Ntd Llc (ga)
Classification: Uncertain significance. Last evaluated: 2015-04-03. Review status: criteria provided, single submitter. Criteria: EGL Classification Definitions 2015. Collection method: clinical testing. Allele origin: germline. Observed: 1 variant allele, 1 heterozygote.

Breakthrough Genomics
Classification: Uncertain significance. Review status: criteria provided, single submitter. Criteria: ACMG Guidelines, 2015. Collection method: not provided. Allele origin: germline. Inheritance: Autosomal recessive inheritance. Affected: yes.

NM_000553.6(WRN):c.2521G>A (p.Ala841Thr)

Gene: WRN (WRN RecQ like helicase; plus strand). Cytogenetic location: 8p12.
Variant type: single nucleotide variant.
Coding change: c.2521G>A on transcript NM_000553.6 (MANE Select); coding-DNA position 2521, G replaced by A.
Protein change: p.Ala841Thr; replaces alanine 841 with threonine.
Molecular consequence: missense variant.
Genome position (GRCh38, 1-based): chr8:31,120,315, G>A. VCF-style: chr8-31120315-G-A. GRCh37 (hg19) VCF-style: chr8-30977831-G-A.
Other names: short protein forms A841T.
Identifiers: ClinVar variation 195567 (VCV000195567.13), dbSNP rs748169173, ClinGen allele CA242036.